The following is an entry in ClinVar:

ClinVar aggregate classification (germline): Uncertain significance (1 of 4 stars; one submission).

Submission:

GeneDx
Classification: Uncertain significance. Last evaluated: 2024-10-23. Review status: criteria provided, single submitter. Criteria: GeneDx Variant Classification Process June 2021. Collection method: clinical testing. Allele origin: germline. Affected: yes.
Comment: Not observed at significant frequency in large population cohorts (gnomAD); In silico analysis indicates that this missense variant does not alter protein structure/function; Has not been previously published as pathogenic or benign to our knowledge; This variant is associated with the following publications: (PMID: 24359114)

NM_024306.5(FA2H):c.248G>C (p.Gly83Ala)

Gene: FA2H (fatty acid 2-hydroxylase; minus strand). Cytogenetic location: 16q23.1.
Variant type: single nucleotide variant.
Coding change: c.248G>C on transcript NM_024306.5 (MANE Select); coding-DNA position 248, G replaced by C.
Protein change: p.Gly83Ala; replaces glycine 83 with alanine.
Molecular consequence: missense variant.
Genome position (GRCh38, 1-based): chr16:74,774,508, C>G on the plus strand (G>C on the coding strand, the complement: FA2H is on the minus strand). VCF-style: chr16-74774508-C-G. GRCh37 (hg19) VCF-style: chr16-74808406-C-G.
Other names: short protein forms G83A.
Identifiers: ClinVar variation 3893438 (VCV003893438.2).